The following is an entry in ClinVar:

NM_014757.5(MAML1):c.330A>G (p.Thr110=)

Gene: MAML1 (mastermind like transcriptional coactivator 1; plus strand). Cytogenetic location: 5q35.3.
Variant type: single nucleotide variant.
Coding change: c.330A>G on transcript NM_014757.5 (MANE Select); coding-DNA position 330, A replaced by G.
Protein change: p.Thr110=; no amino-acid change (threonine 110 retained).
Molecular consequence: synonymous variant.
Genome position (GRCh38, 1-based): chr5:179,765,340, A>G. VCF-style: chr5-179765340-A-G. GRCh37 (hg19) VCF-style: chr5-179192341-A-G.
Identifiers: ClinVar variation 2656134 (VCV002656134.24), dbSNP rs146593514, ClinGen allele CA3598788.
Genomic context (GRCh38, chr5:179,765,340, plus strand): 5'-AGCAAATTCATATGTATCTTAAGTCATTCTTTTCAATGTTTTTCAGCATCTTCATGATAC[A>G]GTTAAGAGGAATCTTGACAGCGCCACTTCCCCTCAGAATGGCGATCAACAGAATGGCTAC-3'
Protein context (NP_055572.1, residues 100-120): HGRPATHLHD[Thr110=]VKRNLDSATS

ClinVar aggregate classification (germline): Likely benign (1 of 4 stars; one submission).

Allele frequency attached by ClinVar (database versions not stated): 1000 Genomes Project 30x 0.00172; 1000 Genomes Project 0.00180; TOPMed 0.00447; ExAC 0.00480; gnomAD 0.00488; ESP Exome Variant Server 0.00507; gnomAD exomes 0.00741.
gnomAD v4.1: 11,335 of 1,596,726 alleles (0.71%); highest among the groups gnomAD compares: Non-Finnish European, 0.9%; 52 homozygotes.

Submission:

CeGaT Center for Human Genetics Tuebingen
Classification: Likely benign. Last evaluated: 2022-04-01. Review status: criteria provided, single submitter. Criteria: CeGaT Center For Human Genetics Tuebingen Variant Classification Criteria Version 2. Collection method: clinical testing. Allele origin: germline. Affected: yes. Observed: 1 variant allele.
Comment: MAML1: BP4, BP7